The following is an entry in ClinVar:

NM_007325.5(GRIA3):c.43G>A (p.Val15Ile)

Gene: GRIA3 (glutamate ionotropic receptor AMPA type subunit 3; plus strand). Cytogenetic location: Xq25.
Variant type: single nucleotide variant.
Coding change: c.43G>A on transcript NM_007325.5 (MANE Select); coding-DNA position 43, G replaced by A.
Protein change: p.Val15Ile; replaces valine 15 with isoleucine.
Molecular consequence: missense variant.
Genome position (GRCh38, 1-based): chrX:123,184,578, G>A. VCF-style: chrX-123184578-G-A. GRCh37 (hg19) VCF-style: chrX-122318430-G-A.
Other names: c.43G>A, p.Val15Ile (NM_000828.5, NM_001256743.2); short protein forms V15I.
Identifiers: ClinVar variation 1708612 (VCV001708612.9), dbSNP rs140014006, ClinGen allele CA10506807.

ClinVar aggregate classification (germline): Conflicting classifications of pathogenicity. Review status: criteria provided, conflicting classifications (1 of 4 stars). 3 submissions from 3 submitters: Uncertain significance (1); Likely benign (2). Last evaluated 2025-04-17.

Conditions:
Inborn genetic diseases. Identifiers: MedGen C0950123, MeSH D030342.

Allele frequency attached by ClinVar (database versions not stated): ExAC 0.00001; gnomAD exomes 0.00001; ESP Exome Variant Server 0.00009; gnomAD 0.00015; TOPMed 0.00018.
gnomAD v4.1: 28 of 1,207,995 alleles (0.0023%); highest among the groups gnomAD compares: African/African-American, 0.046%; no homozygotes.

Submissions (3):

Labcorp Genetics (formerly Invitae), Labcorp
Classification: Likely benign. Last evaluated: 2025-04-17. Review status: criteria provided, single submitter. Criteria: Invitae Variant Classification Sherloc (09022015). Collection method: clinical testing. Allele origin: germline.

Ambry Genetics
Classification: Likely benign for Inborn genetic diseases. Last evaluated: 2024-11-23. Review status: criteria provided, single submitter. Criteria: Ambry Variant Classification Scheme 2023. Collection method: clinical testing. Allele origin: germline.

GeneDx
Classification: Uncertain significance. Last evaluated: 2022-04-04. Review status: criteria provided, single submitter. Criteria: GeneDx Variant Classification Process June 2021. Collection method: clinical testing. Allele origin: germline. Affected: yes.
Comment: In silico analysis supports that this missense variant does not alter protein structure/function; Has not been previously published as pathogenic or benign to our knowledge